The following is an entry in ClinVar:

ClinVar aggregate classification (germline): Uncertain significance (1 of 4 stars; one submission).

Conditions:
Spinocerebellar ataxia type 40. Identifiers: Orphanet 423275, MedGen C4518336, MONDO:0014475, OMIM 616053.

gnomAD v4.1: 3 of 1,554,954 alleles (0.00019%); highest among the groups gnomAD compares: South Asian, 0.0035%; no homozygotes.

Submission:

Neuberg Centre For Genomic Medicine, NCGM
Classification: Uncertain significance for Spinocerebellar ataxia type 40. Last evaluated: 2023-05-20. Review status: criteria provided, single submitter. Criteria: ACMG Guidelines, 2015. Collection method: clinical testing. Allele origin: germline. Inheritance: Autosomal dominant inheritance. Affected: yes.
Comment: The missense variant c.5668C>G (p.Pro1890Ala) in the CCDC88C gene has not been reported previously as a pathogenic variant nor as a benign variant, to our knowledge. This variant is absent in the gnomAD Exomes. The amino acid Proline at position 1890 is changed to an Alanine changing protein sequence and it might alter its composition and physico-chemical properties. Computational evidence (Polyphen, SIFT and MutationTaster) predicts conflicting evidence on protein structure and function for this variant. The amino acid change p.Pro1890Ala in CCDC88C is predicted as conserved by GERP++ and PhyloP across 100 vertebrates. For these reasons, this variant has been classified as Uncertain Significance.

NM_001080414.4(CCDC88C):c.5668C>G (p.Pro1890Ala)

Gene: CCDC88C (coiled-coil domain containing 88C; minus strand). Cytogenetic location: 14q32.11.
Variant type: single nucleotide variant.
Coding change: c.5668C>G on transcript NM_001080414.4 (MANE Select); coding-DNA position 5668, C replaced by G.
Protein change: p.Pro1890Ala; replaces proline 1890 with alanine.
Molecular consequence: missense variant. On other transcripts: non-coding transcript variant (2).
Genome position (GRCh38, 1-based): chr14:91,273,044, G>C on the plus strand (C>G on the coding strand, the complement: CCDC88C is on the minus strand). VCF-style: chr14-91273044-G-C. GRCh37 (hg19) VCF-style: chr14-91739388-G-C.
Other names: short protein forms P1890A.
Identifiers: ClinVar variation 3341314 (VCV003341314.1).